The following is an entry in ClinVar:

ClinVar aggregate classification (germline): Likely benign. Review status: criteria provided, multiple submitters, no conflicts (2 of 4 stars). 2 submissions from 2 submitters: Likely benign (2). Last evaluated 2026-01-05.

Allele frequency attached by ClinVar (database versions not stated): ExAC 0.00001; gnomAD exomes 0.00002; gnomAD 0.00004; TOPMed 0.00004; ESP Exome Variant Server 0.00008.
gnomAD v4.1: 41 of 1,614,058 alleles (0.0025%); highest among the groups gnomAD compares: Middle Eastern, 0.016%; no homozygotes.

Submissions (2):

Labcorp Genetics (formerly Invitae), Labcorp
Classification: Likely benign. Last evaluated: 2026-01-05. Review status: criteria provided, single submitter. Criteria: Invitae Variant Classification Sherloc (09022015). Collection method: clinical testing. Allele origin: germline.

CeGaT Center for Human Genetics Tuebingen
Classification: Likely benign. Last evaluated: 2022-05-01. Review status: criteria provided, single submitter. Criteria: CeGaT Center For Human Genetics Tuebingen Variant Classification Criteria Version 2. Collection method: clinical testing. Allele origin: germline. Affected: yes. Observed: 1 variant allele.
Comment: POLR3A: BP4, BP7

NM_007055.4(POLR3A):c.732C>T (p.Ala244=)

Gene: POLR3A (RNA polymerase III subunit A; minus strand). Cytogenetic location: 10q22.3.
Variant type: single nucleotide variant.
Coding change: c.732C>T on transcript NM_007055.4 (MANE Select); coding-DNA position 732, C replaced by T.
Protein change: p.Ala244=; no amino-acid change (alanine 244 retained).
Molecular consequence: synonymous variant.
Genome position (GRCh38, 1-based): chr10:78,022,298, G>A on the plus strand (C>T on the coding strand, the complement: POLR3A is on the minus strand). VCF-style: chr10-78022298-G-A. GRCh37 (hg19) VCF-style: chr10-79782056-G-A.
Identifiers: ClinVar variation 2640624 (VCV002640624.25), dbSNP rs376011975, ClinGen allele CA5571617.